The following is an entry in ClinVar:

ClinVar aggregate classification (germline): Uncertain significance (1 of 4 stars; one submission).

Submission:

GeneDx
Classification: Uncertain significance. Last evaluated: 2022-12-20. Review status: criteria provided, single submitter. Criteria: GeneDx Variant Classification Process June 2021. Collection method: clinical testing. Allele origin: germline. Affected: yes.
Comment: Not observed at significant frequency in large population cohorts (gnomAD); In silico analysis supports that this missense variant does not alter protein structure/function; Has not been previously published as pathogenic or benign to our knowledge

NM_005619.5(RTN2):c.714G>C (p.Glu238Asp)

Genes: OPA3-RTN2 (OPA3-RTN2 readthrough; minus strand), RTN2 (reticulon 2; minus strand). Cytogenetic location: 19q13.32.
Variant type: single nucleotide variant.
Coding change: c.714G>C on transcript NM_005619.5 (MANE Select); coding-DNA position 714, G replaced by C.
Protein change: p.Glu238Asp; replaces glutamic acid 238 with aspartic acid.
Molecular consequence: missense variant.
Genome position (GRCh38, 1-based): chr19:45,494,266, C>G on the plus strand (G>C on the coding strand, the complement: RTN2 is on the minus strand). VCF-style: chr19-45494266-C-G. GRCh37 (hg19) VCF-style: chr19-45997524-C-G.
Other names: c.714G>C, p.Glu238Asp (NM_206900.3); short protein forms E238D.
Identifiers: ClinVar variation 2506660 (VCV002506660.1), dbSNP rs2513741942, ClinGen allele CA406360536.